The following is an entry in ClinVar:

NM_006030.4(CACNA2D2):c.691C>G (p.Leu231Val)

Gene: CACNA2D2 (calcium voltage-gated channel auxiliary subunit alpha2delta 2; minus strand). Cytogenetic location: 3p21.31.
Variant type: single nucleotide variant.
Coding change: c.691C>G on transcript NM_006030.4 (MANE Select); coding-DNA position 691, C replaced by G.
Protein change: p.Leu231Val; replaces leucine 231 with valine.
Molecular consequence: missense variant.
Genome position (GRCh38, 1-based): chr3:50,381,088, G>C on the plus strand (C>G on the coding strand, the complement: CACNA2D2 is on the minus strand). VCF-style: chr3-50381088-G-C. GRCh37 (hg19) VCF-style: chr3-50418519-G-C.
Other names: c.691C>G, p.Leu231Val (NM_001005505.3, NM_001174051.3, NM_001410768.1); c.484C>G, p.Leu162Val (NM_001291101.1); short protein forms L162V, L231V.
Identifiers: ClinVar variation 2101953 (VCV002101953.4), dbSNP rs587617827, ClinGen allele CA352940516.

ClinVar aggregate classification (germline): Uncertain significance (1 of 4 stars; one submission).

Conditions:
Early-infantile DEE. Also called: Early infantile epileptic encephalopathy; Early infantile epileptic encephalopathy with suppression bursts; Ohtahara syndrome. Identifiers: Orphanet 1934, MedGen C0393706, MONDO:0800491.

Allele frequency attached by ClinVar (database versions not stated): gnomAD exomes below 0.00001.
gnomAD v4.1: 1 of 1,613,994 alleles (0.000062%); highest among the groups gnomAD compares: Non-Finnish European, 0.000085%; no homozygotes.

Submission:

Labcorp Genetics (formerly Invitae), Labcorp
Classification: Uncertain significance for Early-infantile DEE. Last evaluated: 2022-02-22. Review status: criteria provided, single submitter. Criteria: Invitae Variant Classification Sherloc (09022015). Collection method: clinical testing. Allele origin: germline.
Comment: This variant is not present in population databases (gnomAD no frequency). This variant has not been reported in the literature in individuals affected with CACNA2D2-related conditions. Algorithms developed to predict the effect of missense changes on protein structure and function are either unavailable or do not agree on the potential impact of this missense change (SIFT: "Deleterious"; PolyPhen-2: "Probably Damaging"; Align-GVGD: "Class C0"). In summary, the available evidence is currently insufficient to determine the role of this variant in disease. Therefore, it has been classified as a Variant of Uncertain Significance. This sequence change replaces leucine, which is neutral and non-polar, with valine, which is neutral and non-polar, at codon 231 of the CACNA2D2 protein (p.Leu231Val).